The following is an entry in ClinVar:

ClinVar aggregate classification (germline): Uncertain significance (1 of 4 stars; one submission).

Submission:

Labcorp Genetics (formerly Invitae), Labcorp
Classification: Uncertain significance. Last evaluated: 2025-04-17. Review status: criteria provided, single submitter. Criteria: Invitae Variant Classification Sherloc (09022015). Collection method: clinical testing. Allele origin: germline.
Comment: This sequence change replaces isoleucine, which is neutral and non-polar, with threonine, which is neutral and polar, at codon 1178 of the VCAN protein (p.Ile1178Thr). This variant is not present in population databases (gnomAD no frequency). This variant has not been reported in the literature in individuals affected with VCAN-related conditions. ClinVar contains an entry for this variant (Variation ID: 3641776). An algorithm developed to predict the effect of missense changes on protein structure and function outputs the following: PolyPhen-2: "Benign". The threonine amino acid residue is found in multiple mammalian species, which suggests that this missense change does not adversely affect protein function. In summary, the available evidence is currently insufficient to determine the role of this variant in disease. Therefore, it has been classified as a Variant of Uncertain Significance.

NM_004385.5(VCAN):c.3533T>C (p.Ile1178Thr)

Gene: VCAN (versican; plus strand). Cytogenetic location: 5q14.3.
Variant type: single nucleotide variant.
Coding change: c.3533T>C on transcript NM_004385.5 (MANE Select); coding-DNA position 3533, T replaced by C.
Protein change: p.Ile1178Thr; replaces isoleucine 1178 with threonine.
Molecular consequence: missense variant. On other transcripts: intron variant (2).
Genome position (GRCh38, 1-based): chr5:83,521,839, T>C. VCF-style: chr5-83521839-T-C. GRCh37 (hg19) VCF-style: chr5-82817658-T-C.
Other names: c.3533T>C, p.Ile1178Thr (NM_001164098.2); c.1042+9443T>C (NM_001164097.2, NM_001126336.3); short protein forms I1178T.
Identifiers: ClinVar variation 3641776 (VCV003641776.2).